The following is an entry in ClinVar:

NM_015629.4(PRPF31):c.636del (p.Met212fs)

Gene: PRPF31 (pre-mRNA processing factor 31; plus strand). Cytogenetic location: 19q13.42.
Variant type: Deletion.
Coding change: c.636del on transcript NM_015629.4 (MANE Select); coding-DNA position 636, one base deleted (G; older notation c.636delG).
Protein change: p.Met212fs; shifts the reading frame from methionine 212.
Molecular consequence: frameshift variant.
Genome position (GRCh38, 1-based): chr19:54,123,857, G deleted. VCF-style (leftmost placement, unchanged base first): chr19-54123856-TG-T. GRCh37 (hg19) VCF-style: chr19-54627235-TG-T.
Other names: short protein forms M212fs.
Identifiers: ClinVar variation 865753 (VCV000865753.7), dbSNP rs2073855020, ClinGen allele CA916083715.

ClinVar aggregate classification (germline): Pathogenic. Review status: criteria provided, multiple submitters, no conflicts (2 of 4 stars). 2 submissions from 2 submitters: Pathogenic (2). Last evaluated 2025-10-18.

Conditions:
PRPF31-related disorder. Also called: PRPF31-related condition.

Submissions (2):

Labcorp Genetics (formerly Invitae), Labcorp
Classification: Pathogenic. Last evaluated: 2025-10-18. Review status: criteria provided, single submitter. Criteria: Invitae Variant Classification Sherloc (09022015). Collection method: clinical testing. Allele origin: germline.
Comment: This sequence change creates a premature translational stop signal (p.Met212Ilefs*27) in the PRPF31 gene. It is expected to result in an absent or disrupted protein product. Loss-of-function variants in PRPF31 are known to be pathogenic (PMID: 18317597, 23950152). This variant is not present in population databases (gnomAD no frequency). This premature translational stop signal has been observed in individual(s) with retinitis pigmentosa (PMID: 16799052). This variant is also known as 636delG (Met212fs). ClinVar contains an entry for this variant (Variation ID: 865753). For these reasons, this variant has been classified as Pathogenic.

Blueprint Genetics
Classification: Pathogenic for PRPF31-related disorders. Last evaluated: 2022-09-12. Review status: criteria provided, single submitter. Criteria: ACMG Guidelines, 2015. Collection method: clinical testing. Allele origin: germline. Affected: yes. Observed: 4 variant alleles.

Literature cited by the submitters: PubMed 18317597 (cited by Labcorp Genetics (formerly Invitae), Labcorp); PubMed 23950152 (cited by Labcorp Genetics (formerly Invitae), Labcorp); PubMed 16799052 (cited by Labcorp Genetics (formerly Invitae), Labcorp).